The following is an entry in ClinVar:

NM_000222.3(KIT):c.821C>A (p.Thr274Lys)

Gene: KIT (KIT proto-oncogene, receptor tyrosine kinase; plus strand). Cytogenetic location: 4q12.
Variant type: single nucleotide variant.
Coding change: c.821C>A on transcript NM_000222.3 (MANE Select); coding-DNA position 821, C replaced by A.
Protein change: p.Thr274Lys; replaces threonine 274 with lysine.
Molecular consequence: missense variant.
Genome position (GRCh38, 1-based): chr4:54,703,788, C>A. VCF-style: chr4-54703788-C-A. GRCh37 (hg19) VCF-style: chr4-55569954-C-A.
Other names: c.821C>A, p.Thr274Lys (NM_001093772.2, NM_001385285.1, NM_001385286.1); c.824C>A, p.Thr275Lys (NM_001385284.1, NM_001385288.1, NM_001385290.1 and 1 more transcripts); short protein forms T275K, T274K.
Identifiers: ClinVar variation 2899275 (VCV002899275.3), dbSNP rs138585275, ClinGen allele CA356899705.

ClinVar aggregate classification (germline): Uncertain significance (1 of 4 stars; one submission).

Conditions:
Gastrointestinal stromal tumor. Also called: Gastrointestinal stromal tumor, somatic; Gastrointestinal stroma tumor. Identifiers: Orphanet 44890, MedGen C0238198, MeSH D046152, MONDO:0011719, OMIM 606764, HP:0100723.

Submission:

Labcorp Genetics (formerly Invitae), Labcorp
Classification: Uncertain significance for Gastrointestinal stromal tumor. Last evaluated: 2024-04-10. Review status: criteria provided, single submitter. Criteria: Invitae Variant Classification Sherloc (09022015). Collection method: clinical testing. Allele origin: germline.
Comment: This sequence change replaces threonine, which is neutral and polar, with lysine, which is basic and polar, at codon 274 of the KIT protein (p.Thr274Lys). This variant is not present in population databases (gnomAD no frequency). This variant has not been reported in the literature in individuals affected with KIT-related conditions. Algorithms developed to predict the effect of missense changes on protein structure and function output the following: SIFT: "Not Available"; PolyPhen-2: "Benign"; Align-GVGD: "Not Available". The lysine amino acid residue is found in multiple mammalian species, which suggests that this missense change does not adversely affect protein function. In summary, the available evidence is currently insufficient to determine the role of this variant in disease. Therefore, it has been classified as a Variant of Uncertain Significance.